The following is an entry in ClinVar:

ClinVar aggregate classification (germline): Uncertain significance (1 of 4 stars; one submission).

Conditions:
P2RX1-related disorder. Also called: P2RX1-related condition.

Submission:

PreventionGenetics, part of Exact Sciences
Classification: Uncertain significance for P2RX1-related condition. Last evaluated: 2025-11-11. Review status: criteria provided, single submitter. Criteria: ACMG Guidelines, 2015. Collection method: clinical testing. Allele origin: germline.
Comment: The P2RX1 c.835_836delinsGG variant is predicted to result in an in-frame deletion and insertion. To our knowledge, this variant has not been reported in the literature or in a large population database (gnomAD), indicating this variant is rare. At this time, the clinical significance of this variant is uncertain due to the absence of conclusive functional and genetic evidence.

NM_002558.4(P2RX1):c.835_836delinsGG (p.Leu279Gly)

Gene: P2RX1 (purinergic receptor P2X 1; minus strand). Cytogenetic location: 17p13.2.
Variant type: Indel.
Coding change: c.835_836delinsGG on transcript NM_002558.4 (MANE Select); coding-DNA positions 835 to 836, CT replaced by GG.
Protein change: p.Leu279Gly; replaces leucine 279 with glycine.
Molecular consequence: missense variant.
Genome position (GRCh38, 1-based): chr17:3,899,673-3,899,674, AG replaced by CC on the plus strand (CT replaced by GG on the coding strand, the reverse complement: P2RX1 is on the minus strand). VCF-style: chr17-3899673-AG-CC. GRCh37 (hg19) VCF-style: chr17-3802967-AG-CC.
Other names: short protein forms L279G.
Identifiers: ClinVar variation 4992947 (VCV004992947.1).